The following is an entry in ClinVar:

ClinVar aggregate classification (germline): Conflicting classifications of pathogenicity. Review status: criteria provided, conflicting classifications (1 of 4 stars). 5 submissions from 5 submitters: Pathogenic (1); Likely pathogenic (1); Uncertain significance (3). Last evaluated 2025-03-04.

Conditions:
Glycosylphosphatidylinositol biosynthesis defect 15. Also called: DEVELOPMENTAL DELAY, EPILEPSY, CEREBELLAR ATROPHY, AND OSTEOPENIA. Identifiers: Orphanet 529665, MedGen C4540520, MONDO:0060627, OMIM 617810.

Allele frequency attached by ClinVar (database versions not stated): ExAC 0.00002; gnomAD exomes 0.00003 and 0.00006; gnomAD 0.00004 and 0.00005; TOPMed 0.00006; ESP Exome Variant Server 0.00008.
gnomAD v4.1: 97 of 1,612,908 alleles (0.006%); highest among the groups gnomAD compares: Non-Finnish European, 0.0079%; no homozygotes.

Submissions (5):

Center for Genomic Medicine, Rigshospitalet, Copenhagen University Hospital
Classification: Uncertain significance. Last evaluated: 2025-03-04. Review status: criteria provided, single submitter. Criteria: ACMG Guidelines, 2015. Collection method: clinical testing. Allele origin: germline.

GeneDx
Classification: Pathogenic. Last evaluated: 2023-12-29. Review status: criteria provided, single submitter. Criteria: GeneDx Variant Classification Process June 2021. Collection method: clinical testing. Allele origin: germline. Affected: yes.
Comment: In silico analysis supports that this missense variant has a deleterious effect on protein structure/function; Not observed at significant frequency in large population cohorts (gnomAD); This variant is associated with the following publications: (PMID: 34703884, 37510348)

CeGaT Center for Human Genetics Tuebingen
Classification: Likely pathogenic. Last evaluated: 2023-11-01. Review status: criteria provided, single submitter. Criteria: CeGaT Center For Human Genetics Tuebingen Variant Classification Criteria Version 2. Collection method: clinical testing. Allele origin: germline. Affected: yes. Observed: 5 variant alleles.
Comment: GPAA1: PM3:Strong, PM2

Labcorp Genetics (formerly Invitae), Labcorp
Classification: Uncertain significance. Last evaluated: 2023-09-25. Review status: criteria provided, single submitter. Criteria: Invitae Variant Classification Sherloc (09022015). Collection method: clinical testing. Allele origin: germline.
Comment: This missense change has been observed in individual(s) with congenital disorder of glycosylation (GPAA1-CDG) (PMID: 34703884). In at least one individual the data is consistent with being in trans (on the opposite chromosome) from a pathogenic variant. This variant is present in population databases (rs200581623, gnomAD 0.005%). This sequence change replaces methionine, which is neutral and non-polar, with lysine, which is basic and polar, at codon 50 of the GPAA1 protein (p.Met50Lys). ClinVar contains an entry for this variant (Variation ID: 1187326). In summary, the available evidence is currently insufficient to determine the role of this variant in disease. Therefore, it has been classified as a Variant of Uncertain Significance. Advanced modeling of protein sequence and biophysical properties (such as structural, functional, and spatial information, amino acid conservation, physicochemical variation, residue mobility, and thermodynamic stability) performed at Invitae indicates that this missense variant is expected to disrupt GPAA1 protein function.

Institute of Human Genetics, University of Leipzig Medical Center
Classification: Uncertain significance for Glycosylphosphatidylinositol biosynthesis defect 15. Last evaluated: 2021-10-11. Review status: criteria provided, single submitter. Criteria: ACMG Guidelines, 2015. Collection method: clinical testing. Allele origin: unknown. Affected: yes.
Comment: This variant was identified as compound heterozygous with NM_003801.4:c.1477_1478del._x000D_ Criteria applied: PM3, PS4_SUP, PM2_SUP, PP3

Literature cited by the submitters: PubMed 34703884 (cited by Labcorp Genetics (formerly Invitae), Labcorp).

NM_003801.4(GPAA1):c.149T>A (p.Met50Lys)

Gene: GPAA1 (glycosylphosphatidylinositol anchor attachment 1; plus strand). Cytogenetic location: 8q24.3.
Variant type: single nucleotide variant.
Coding change: c.149T>A on transcript NM_003801.4 (MANE Select); coding-DNA position 149, T replaced by A.
Protein change: p.Met50Lys; replaces methionine 50 with lysine.
Molecular consequence: missense variant.
Genome position (GRCh38, 1-based): chr8:144,083,198, T>A. VCF-style: chr8-144083198-T-A. GRCh37 (hg19) VCF-style: chr8-145138101-T-A.
Other names: short protein forms M50K.
Identifiers: ClinVar variation 1187326 (VCV001187326.43), dbSNP rs200581623, ClinGen allele CA4932724.
Genomic context (GRCh38, chr8:144,083,198, plus strand): 5'-TGGCGGGCATCGCCTGGTTCTTGGCGCTGGTTTTCCCGCCGCTGACCCAGCGCACTTACA[T>A]GTCGGAGAACGCCATGGGCTCCACCATGGTGGAGGAGCAGTTTGCGGGCGGAGACCGTGC-3'
Protein context (NP_003792.1, residues 40-60): VFPPLTQRTY[Met50Lys]SENAMGSTMV